The following is an entry in ClinVar:

NM_004448.4(ERBB2):c.821A>G (p.Tyr274Cys)

Gene: ERBB2 (erb-b2 receptor tyrosine kinase 2; plus strand). Cytogenetic location: 17q12.
Variant type: single nucleotide variant.
Coding change: c.821A>G on transcript NM_004448.4 (MANE Select); coding-DNA position 821, A replaced by G.
Protein change: p.Tyr274Cys; replaces tyrosine 274 with cysteine.
Molecular consequence: missense variant. On other transcripts: non-coding transcript variant (1), intron variant (2).
Genome position (GRCh38, 1-based): chr17:39,710,401, A>G. VCF-style: chr17-39710401-A-G. GRCh37 (hg19) VCF-style: chr17-37866654-A-G.
Other names: c.731A>G, p.Tyr244Cys (NM_001005862.3, NM_001289938.2, NM_001382782.1 and 1 more transcripts); c.776A>G, p.Tyr259Cys (NM_001289936.2); c.821A>G, p.Tyr274Cys (NM_001289937.2, NM_001382784.1, NM_001382785.1 and 16 more transcripts); c.896A>G, p.Tyr299Cys (NM_001382787.1); c.812A>G, p.Tyr271Cys (NM_001382791.1); c.641A>G, p.Tyr214Cys (NM_001382799.1); c.643+520A>G (NM_001382802.1); c.74-1527A>G (NM_001382804.1); short protein forms Y274C, Y299C, Y214C, Y244C, Y259C, Y271C.
Identifiers: ClinVar variation 2122357 (VCV002122357.4), dbSNP rs2544135671, ClinGen allele CA399279318.
Genomic context (GRCh38, chr17:39,710,401, plus strand): 5'-CCTGCCTCCACTTCAACCACAGTGGCATCTGTGAGCTGCACTGCCCAGCCCTGGTCACCT[A>G]CAACACAGACACGTTTGAGTCCATGCCCAATCCCGAGGGCCGGTATACATTCGGCGCCAG-3'
Protein context (NP_004439.2, residues 264-284): CELHCPALVT[Tyr274Cys]NTDTFESMPN

ClinVar aggregate classification (germline): Uncertain significance (1 of 4 stars; one submission).

Allele frequency attached by ClinVar (database versions not stated): gnomAD exomes below 0.00001.
gnomAD v4.1: 1 of 1,614,178 alleles (0.000062%); highest among the groups gnomAD compares: Non-Finnish European, 0.000085%; no homozygotes.

Submission:

Labcorp Genetics (formerly Invitae), Labcorp
Classification: Uncertain significance. Last evaluated: 2022-04-07. Review status: criteria provided, single submitter. Criteria: Invitae Variant Classification Sherloc (09022015). Collection method: clinical testing. Allele origin: germline.
Comment: This variant has not been reported in the literature in individuals affected with ERBB2-related conditions. This sequence change replaces tyrosine, which is neutral and polar, with cysteine, which is neutral and slightly polar, at codon 274 of the ERBB2 protein (p.Tyr274Cys). This variant is not present in population databases (gnomAD no frequency). Algorithms developed to predict the effect of missense changes on protein structure and function are either unavailable or do not agree on the potential impact of this missense change (SIFT: "Deleterious"; PolyPhen-2: "Probably Damaging"; Align-GVGD: "Class C0"). In summary, the available evidence is currently insufficient to determine the role of this variant in disease. Therefore, it has been classified as a Variant of Uncertain Significance.